The following is an entry in ClinVar:

ClinVar aggregate classification (germline): Uncertain significance (1 of 4 stars; one submission).

Conditions:
Familial thoracic aortic aneurysm and aortic dissection (TAAD). Also called: Thoracic aortic aneurysms and dissections. Identifiers: Orphanet 91387, MedGen C4707243, MONDO:0019625.

Submission:

Ambry Genetics
Classification: Uncertain significance for Familial thoracic aortic aneurysm and aortic dissection. Last evaluated: 2025-05-15. Review status: criteria provided, single submitter. Criteria: Ambry Variant Classification Scheme 2023. Collection method: clinical testing. Allele origin: germline.
Comment: The p.E867G variant (also known as c.2600A>G), located in coding exon 17 of the NOTCH1 gene, results from an A to G substitution at nucleotide position 2600. The glutamic acid at codon 867 is replaced by glycine, an amino acid with similar properties. This amino acid position is conserved. In addition, the in silico prediction for this alteration is inconclusive. Based on the available evidence, the clinical significance of this variant remains unclear.

NM_017617.5(NOTCH1):c.2600A>G (p.Glu867Gly)

Gene: NOTCH1 (notch receptor 1; minus strand). Cytogenetic location: 9q34.3.
Variant type: single nucleotide variant.
Coding change: c.2600A>G on transcript NM_017617.5 (MANE Select); coding-DNA position 2600, A replaced by G.
Protein change: p.Glu867Gly; replaces glutamic acid 867 with glycine.
Molecular consequence: missense variant.
Genome position (GRCh38, 1-based): chr9:136,510,793, T>C on the plus strand (A>G on the coding strand, the complement: NOTCH1 is on the minus strand). VCF-style: chr9-136510793-T-C. GRCh37 (hg19) VCF-style: chr9-139405245-T-C.
Other names: short protein forms E867G.
Identifiers: ClinVar variation 3921061 (VCV003921061.1).